The following is an entry in ClinVar:

ClinVar aggregate classification (germline): Uncertain significance (1 of 4 stars; one submission).

Allele frequency attached by ClinVar (database versions not stated): ExAC 0.00001; gnomAD exomes 0.00001.
gnomAD v4.1: 4 of 1,614,174 alleles (0.00025%); highest among the groups gnomAD compares: Admixed American, 0.0033%; no homozygotes.

Submission:

Labcorp Genetics (formerly Invitae), Labcorp
Classification: Uncertain significance. Last evaluated: 2021-02-15. Review status: criteria provided, single submitter. Criteria: Invitae Variant Classification Sherloc (09022015). Collection method: clinical testing. Allele origin: germline.
Comment: In summary, the available evidence is currently insufficient to determine the role of this variant in disease. Therefore, it has been classified as a Variant of Uncertain Significance. Algorithms developed to predict the effect of missense changes on protein structure and function output the following: SIFT: "Tolerated"; PolyPhen-2: "Benign"; Align-GVGD: "Class C0". The alanine amino acid residue is found in multiple mammalian species, suggesting that this missense change does not adversely affect protein function. These predictions have not been confirmed by published functional studies and their clinical significance is uncertain. This variant has not been reported in the literature in individuals with NCSTN-related conditions. The frequency data for this variant in the population databases is considered unreliable, as metrics indicate poor data quality at this position in the ExAC database. This sequence change replaces threonine with alanine at codon 505 of the NCSTN protein (p.Thr505Ala). The threonine residue is moderately conserved and there is a small physicochemical difference between threonine and alanine.

NM_015331.3(NCSTN):c.1513A>G (p.Thr505Ala)

Gene: NCSTN (nicastrin; plus strand). Cytogenetic location: 1q23.2.
Variant type: single nucleotide variant.
Coding change: c.1513A>G on transcript NM_015331.3 (MANE Select); coding-DNA position 1513, A replaced by G.
Protein change: p.Thr505Ala; replaces threonine 505 with alanine.
Molecular consequence: missense variant.
Genome position (GRCh38, 1-based): chr1:160,355,920, A>G. VCF-style: chr1-160355920-A-G. GRCh37 (hg19) VCF-style: chr1-160325710-A-G.
Other names: c.1453A>G, p.Thr485Ala (NM_001290184.2); c.1099A>G, p.Thr367Ala (NM_001290186.2); c.1513A>G, p.Thr505Ala (NM_001349729.2); short protein forms T367A, T485A, T505A.
Identifiers: ClinVar variation 1367816 (VCV001367816.8), dbSNP rs780067409, ClinGen allele CA1199024.